The following is an entry in ClinVar:

NM_201548.5(CERKL):c.1456G>A (p.Glu486Lys)

Gene: CERKL (CERK like autophagy regulator; minus strand). Cytogenetic location: 2q31.3.
Variant type: single nucleotide variant.
Coding change: c.1456G>A on transcript NM_201548.5 (MANE Select); coding-DNA position 1456, G replaced by A.
Protein change: p.Glu486Lys; replaces glutamic acid 486 with lysine.
Molecular consequence: missense variant. On other transcripts: non-coding transcript variant (2).
Genome position (GRCh38, 1-based): chr2:181,539,174, C>T on the plus strand (G>A on the coding strand, the complement: CERKL is on the minus strand). VCF-style: chr2-181539174-C-T. GRCh37 (hg19) VCF-style: chr2-182403901-C-T.
Other names: c.1534G>A, p.Glu512Lys (NM_001030311.3); c.1117G>A, p.Glu373Lys (NM_001030312.3); c.1249G>A, p.Glu417Lys (NM_001030313.3); c.1402G>A, p.Glu468Lys (NM_001160277.2); short protein forms E486K, E417K, E373K, E468K, E512K.
Identifiers: ClinVar variation 1476873 (VCV001476873.5), dbSNP rs2105787013, ClinGen allele CA349733269.

ClinVar aggregate classification (germline): Uncertain significance (1 of 4 stars; one submission).

Submission:

Labcorp Genetics (formerly Invitae), Labcorp
Classification: Uncertain significance. Last evaluated: 2022-02-24. Review status: criteria provided, single submitter. Criteria: Invitae Variant Classification Sherloc (09022015). Collection method: clinical testing. Allele origin: germline.
Comment: This sequence change replaces glutamic acid, which is acidic and polar, with lysine, which is basic and polar, at codon 512 of the CERKL protein (p.Glu512Lys). This variant is not present in population databases (gnomAD no frequency). This variant has not been reported in the literature in individuals affected with CERKL-related conditions. Algorithms developed to predict the effect of missense changes on protein structure and function (SIFT, PolyPhen-2, Align-GVGD) all suggest that this variant is likely to be tolerated. In summary, the available evidence is currently insufficient to determine the role of this variant in disease. Therefore, it has been classified as a Variant of Uncertain Significance.